The following is an entry in ClinVar:

NM_014140.4(SMARCAL1):c.1064C>T (p.Ala355Val)

Gene: SMARCAL1 (SNF2 related chromatin remodeling annealing helicase 1; plus strand). Cytogenetic location: 2q35.
Variant type: single nucleotide variant.
Coding change: c.1064C>T on transcript NM_014140.4 (MANE Select); coding-DNA position 1064, C replaced by T.
Protein change: p.Ala355Val; replaces alanine 355 with valine.
Molecular consequence: missense variant.
Genome position (GRCh38, 1-based): chr2:216,420,500, C>T. VCF-style: chr2-216420500-C-T. GRCh37 (hg19) VCF-style: chr2-217285223-C-T.
Other names: c.1064C>T, p.Ala355Val (NM_001127207.2); short protein forms A355V.
Identifiers: ClinVar variation 626171 (VCV000626171.2), dbSNP rs772913825, ClinGen allele CA2097764.

ClinVar aggregate classification (germline): Uncertain significance (1 of 4 stars; one submission).

Conditions:
Schimke immuno-osseous dysplasia (SIOD). Also called: Schimke Immunoosseous Dysplasia. Identifiers: Orphanet 1830, MedGen C0877024, MONDO:0009458, OMIM 242900.

Allele frequency attached by ClinVar (database versions not stated): gnomAD exomes 0.00001; ExAC 0.00002.
gnomAD v4.1: 9 of 1,614,064 alleles (0.00056%); highest among the groups gnomAD compares: Middle Eastern, 0.016%; no homozygotes.

Submission:

Center for Genomics, Ann and Robert H. Lurie Children's Hospital of Chicago
Classification: Uncertain significance for Schimke immuno-osseous dysplasia. Last evaluated: 2021-03-30. Review status: criteria provided, single submitter. Criteria: ACMG Guidelines, 2015. Collection method: clinical testing. Allele origin: germline.
Comment: SMARCAL1 NM_014140 exon 5 p.Ala355Val (c.1064C>T): This variant has not been reported in the literature but is present in 1/30782 South Asian alleles in the Genome Aggregation Database. Evolutionary conservation and computational predictive tools suggest that this variant may not impact the protein. In summary, data on this variant is insufficient for disease classification. Therefore, the clinical significance of this variant is uncertain.